The following is an entry in ClinVar:

NM_000245.4(MET):c.3533T>C (p.Val1178Ala)

Gene: MET (MET proto-oncogene, receptor tyrosine kinase; plus strand). Cytogenetic location: 7q31.2.
Variant type: single nucleotide variant.
Coding change: c.3533T>C on transcript NM_000245.4 (MANE Select); coding-DNA position 3533, T replaced by C.
Protein change: p.Val1178Ala; replaces valine 1178 with alanine.
Molecular consequence: missense variant.
Genome position (GRCh38, 1-based): chr7:116,781,998, T>C. VCF-style: chr7-116781998-T-C. GRCh37 (hg19) VCF-style: chr7-116422052-T-C.
Other names: c.3587T>C, p.Val1196Ala (NM_001127500.3); c.2243T>C, p.Val748Ala (NM_001324402.2); short protein forms V1178A, V1196A, V748A.
Identifiers: ClinVar variation 3294330 (VCV003294330.1).
Genomic context (GRCh38, chr7:116,781,998, plus strand): 5'-TAGAACAGTAGATGCTTAGTTTATGCTTTTCTAACTCTCTTTGACTGCAGAATCCAACTG[T>C]AAAAGATCTTATTGGCTTTGGTCTTCAAGTAGCCAAAGGCATGAAATATCTTGCAAGCAA-3'
Protein context (NP_000236.2, residues 1168-1188): FIRNETHNPT[Val1178Ala]KDLIGFGLQV

ClinVar aggregate classification (germline): Uncertain significance (1 of 4 stars; one submission).

Conditions:
Hereditary cancer-predisposing syndrome. Also called: Tumor predisposition; Hereditary Cancer Syndrome; Hereditary neoplastic syndrome; Neoplastic Syndromes, Hereditary. Identifiers: Orphanet 140162, MedGen C0027672, MeSH D009386, MONDO:0015356.

Submission:

Ambry Genetics
Classification: Uncertain significance for Hereditary cancer-predisposing syndrome. Last evaluated: 2024-04-05. Review status: criteria provided, single submitter. Criteria: Ambry Variant Classification Scheme 2023. Collection method: clinical testing. Allele origin: germline.
Comment: The p.V1196A variant (also known as c.3587T>C), located in coding exon 17 of the MET gene, results from a T to C substitution at nucleotide position 3587. The valine at codon 1196 is replaced by alanine, an amino acid with similar properties. This amino acid position is conserved. In addition, the in silico prediction for this alteration is inconclusive. Based on the available evidence, the clinical significance of this variant remains unclear.